The following is an entry in ClinVar:

ClinVar aggregate classification (germline): Uncertain significance (1 of 4 stars; one submission).

Allele frequency attached by ClinVar (database versions not stated): gnomAD 0.00001.

Submission:

Labcorp Genetics (formerly Invitae), Labcorp
Classification: Uncertain significance. Last evaluated: 2023-02-09. Review status: criteria provided, single submitter. Criteria: Invitae Variant Classification Sherloc (09022015). Collection method: clinical testing. Allele origin: germline.
Comment: This sequence change replaces arginine, which is basic and polar, with histidine, which is basic and polar, at codon 1979 of the SON protein (p.Arg1979His). This variant is not present in population databases (gnomAD no frequency). This variant has not been reported in the literature in individuals affected with SON-related conditions. Algorithms developed to predict the effect of missense changes on protein structure and function are either unavailable or do not agree on the potential impact of this missense change (SIFT: "Deleterious"; PolyPhen-2: "Not Available"; Align-GVGD: "Class C0"). In summary, the available evidence is currently insufficient to determine the role of this variant in disease. Therefore, it has been classified as a Variant of Uncertain Significance.

NM_138927.4(SON):c.5936G>A (p.Arg1979His)

Gene: SON (SON DNA and RNA binding protein; plus strand). Cytogenetic location: 21q22.11.
Variant type: single nucleotide variant.
Coding change: c.5936G>A on transcript NM_138927.4 (MANE Select); coding-DNA position 5936, G replaced by A.
Protein change: p.Arg1979His; replaces arginine 1979 with histidine.
Molecular consequence: missense variant. On other transcripts: non-coding transcript variant (1), intron variant (1).
Genome position (GRCh38, 1-based): chr21:33,555,167, G>A. VCF-style: chr21-33555167-G-A. GRCh37 (hg19) VCF-style: chr21-34927473-G-A.
Other names: c.5936G>A, p.Arg1979His (NM_001291411.2, NM_001412133.1, NM_032195.3 and 2 more transcripts); c.245-1989G>A (NM_001291412.3); short protein forms R1979H.
Identifiers: ClinVar variation 2974565 (VCV002974565.3), dbSNP rs977567856, ClinGen allele CA320154828.